The following is an entry in ClinVar:

NM_001372044.2(SHANK3):c.2418A>G (p.Ala806=)

Gene: SHANK3 (SH3 and multiple ankyrin repeat domains 3; plus strand). Cytogenetic location: 22q13.33.
Variant type: single nucleotide variant.
Coding change: c.2418A>G on transcript NM_001372044.2 (MANE Select); coding-DNA position 2418, A replaced by G.
Protein change: p.Ala806=; no amino-acid change (alanine 806 retained).
Molecular consequence: synonymous variant.
Genome position (GRCh38, 1-based): chr22:50,714,975, A>G. VCF-style: chr22-50714975-A-G. GRCh37 (hg19) VCF-style: chr22-51153403-A-G.
Identifiers: ClinVar variation 3389172 (VCV003389172.14).

ClinVar aggregate classification (germline): Likely benign (1 of 4 stars; one submission).

Submission:

CeGaT Center for Human Genetics Tuebingen
Classification: Likely benign. Last evaluated: 2024-10-01. Review status: criteria provided, single submitter. Criteria: CeGaT Center For Human Genetics Tuebingen Variant Classification Criteria Version 2. Collection method: clinical testing. Allele origin: germline. Affected: yes. Observed: 1 variant allele.
Comment: SHANK3: BP4, BP7